The following is an entry in ClinVar:

NM_022575.4(VPS16):c.1840G>A (p.Glu614Lys)

Genes: PTPRA (protein tyrosine phosphatase receptor type A; plus strand), VPS16 (VPS16 core subunit of CORVET and HOPS complexes; plus strand). Cytogenetic location: 20p13.
Variant type: single nucleotide variant.
Coding change: c.1840G>A on transcript NM_022575.4 (MANE Select); coding-DNA position 1840, G replaced by A.
Protein change: p.Glu614Lys; replaces glutamic acid 614 with lysine.
Molecular consequence: missense variant. On other transcripts: 5 prime UTR variant (1).
Genome position (GRCh38, 1-based): chr20:2,864,568, G>A. VCF-style: chr20-2864568-G-A. GRCh37 (hg19) VCF-style: chr20-2845214-G-A.
Other names: c.-463G>A (NM_002836.4); c.1408G>A, p.Glu470Lys (NM_080413.3); short protein forms E470K, E614K.
Identifiers: ClinVar variation 1711535 (VCV001711535.27), dbSNP rs61729230, ClinGen allele CA9737888.

ClinVar aggregate classification (germline): Likely benign (1 of 4 stars; one submission).

Allele frequency attached by ClinVar (database versions not stated): ExAC 0.00251; 1000 Genomes Project 30x 0.00094; gnomAD 0.00287; gnomAD exomes 0.00337; ESP Exome Variant Server 0.00261; 1000 Genomes Project 0.00100; TOPMed 0.00244.
gnomAD v4.1: 5,428 of 1,614,194 alleles (0.34%); highest among the groups gnomAD compares: Non-Finnish European, 0.36%; 11 homozygotes.

Submission:

CeGaT Center for Human Genetics Tuebingen
Classification: Likely benign. Last evaluated: 2026-06-01. Review status: criteria provided, single submitter. Criteria: CeGaT Center For Human Genetics Tuebingen Variant Classification Criteria Version 2. Collection method: clinical testing. Allele origin: germline. Affected: yes. Observed: 14 variant alleles.
Comment: VPS16: BS2